The following is an entry in ClinVar:

NM_001365536.1(SCN9A):c.2165T>C (p.Leu722Ser)

Genes: SCN1A-AS1 (SCN1A and SCN9A antisense RNA 1; plus strand), SCN9A (sodium voltage-gated channel alpha subunit 9; minus strand). Cytogenetic location: 2q24.3.
Variant type: single nucleotide variant.
Coding change: c.2165T>C on transcript NM_001365536.1 (MANE Select); coding-DNA position 2165, T replaced by C.
Protein change: p.Leu722Ser; replaces leucine 722 with serine.
Molecular consequence: missense variant.
Genome position (GRCh38, 1-based): chr2:166,280,535, A>G on the plus strand (T>C on the coding strand, the complement: SCN9A is on the minus strand). VCF-style: chr2-166280535-A-G. GRCh37 (hg19) VCF-style: chr2-167137045-A-G.
Other names: c.2132T>C, p.Leu711Ser (NM_002977.4); short protein forms L711S, L722S.
Identifiers: ClinVar variation 331983 (VCV000331983.21), dbSNP rs187526567, ClinGen allele CA1944317.

ClinVar aggregate classification (germline): Benign/Likely benign. Review status: criteria provided, multiple submitters, no conflicts (2 of 4 stars). 8 submissions from 6 submitters: Benign (3); Likely benign (4). 1 of the submissions does not count toward it. Last evaluated 2026-01-26.

Conditions:
Primary erythromelalgia. Also called: SCN9A Erythromelalgia (SCN9A-EM); primary erythermalgia. Identifiers: Orphanet 306577, Orphanet 90026, MedGen C0014805, MONDO:0007571, OMIM 133020.
Neuropathy, hereditary sensory and autonomic, type 2A (HSAN2A). Also called: MORVAN DISEASE; NEUROPATHY, CONGENITAL SENSORY; NEUROPATHY, HEREDITARY SENSORY RADICULAR, AUTOSOMAL RECESSIVE; NEUROPATHY, HEREDITARY SENSORY, TYPE IIA; NEUROPATHY, PROGRESSIVE SENSORY, OF CHILDREN; HSAN IIA. Identifiers: Orphanet 970, MedGen C2752089, MONDO:0024309, OMIM 201300.
Paroxysmal extreme pain disorder (PEXPD). Also called: PAIN, SUBMANDIBULAR, OCULAR, AND RECTAL, WITH FLUSHING; RECTAL PAIN, FAMILIAL; SCN9A Paroxysmal Extreme Pain Disorder (SCN9A-PEPD). Identifiers: Orphanet 46348, MedGen C1833661, MONDO:0008179, OMIM 167400.
Channelopathy-associated congenital insensitivity to pain, autosomal recessive. Also called: Insensitivity to pain, channelopathy-associated; ASYMBOLIA FOR PAIN; CONGENITAL ANALGESIA, AUTOSOMAL RECESSIVE. Identifiers: Orphanet 88642, Orphanet 970, MedGen C1855739, MONDO:0009459, OMIM 243000.
Generalized epilepsy with febrile seizures plus, type 7 (GEFSP7). Also called: GEFS+, TYPE 7. Identifiers: Orphanet 36387, MedGen C2751778, MONDO:0013470, OMIM 613863.
SCN9A-related disorder. Also called: SCN9A-related disorders; SCN9A-related condition.

Allele frequency attached by ClinVar (database versions not stated): gnomAD exomes 0.00006 and 0.00026; gnomAD 0.00009 and 0.00011; TOPMed 0.00020; ExAC 0.00044; 1000 Genomes Project 0.00080; 1000 Genomes Project 30x 0.00109.
gnomAD v4.1: 109 of 1,592,658 alleles (0.0068%); highest among the groups gnomAD compares: East Asian, 0.23%; no homozygotes.

Submissions (8):

Labcorp Genetics (formerly Invitae), Labcorp
Classification: Likely benign for Neuropathy, hereditary sensory and autonomic, type 2A; Generalized epilepsy with febrile seizures plus, type 7. Last evaluated: 2026-01-26. Review status: criteria provided, single submitter. Criteria: Invitae Variant Classification Sherloc (09022015). Collection method: clinical testing. Allele origin: germline.

Fulgent Genetics
Classification: Likely benign for Primary erythromelalgia; Paroxysmal extreme pain disorder; Neuropathy, hereditary sensory and autonomic, type 2A; Channelopathy-associated congenital insensitivity to pain, autosomal recessive. Last evaluated: 2022-03-23. Review status: criteria provided, single submitter. Criteria: ACMG Guidelines, 2015. Collection method: clinical testing. Allele origin: unknown.

GeneDx
Classification: Likely benign. Last evaluated: 2017-07-26. Review status: criteria provided, single submitter. Criteria: GeneDx Variant Classification (06012015). Collection method: clinical testing. Allele origin: germline. Affected: yes.
Comment: This variant is considered likely benign or benign based on one or more of the following criteria: it is a conservative change, it occurs at a poorly conserved position in the protein, it is predicted to be benign by multiple in silico algorithms, and/or has population frequency not consistent with disease.

Illumina Laboratory Services, Illumina
Classification: Benign for Primary erythromelalgia. Last evaluated: 2017-04-27. Review status: criteria provided, single submitter. Criteria: ICSL Variant Classification Criteria 13 December 2019. Collection method: clinical testing. Allele origin: germline.
Comment: This variant was observed as part of a predisposition screen in an ostensibly healthy population. A literature search was performed for the gene, cDNA change, and amino acid change (where applicable). No publications were found based on this search. Allele frequency data from public databases was too high to be consistent with this variant causing disease. Therefore, this variant is classified as benign.

Illumina Laboratory Services, Illumina
Classification: Benign for Channelopathy-associated congenital insensitivity to pain, autosomal recessive. Last evaluated: 2017-04-27. Review status: criteria provided, single submitter. Criteria: ICSL Variant Classification Criteria 13 December 2019. Collection method: clinical testing. Allele origin: germline.
Comment: the same text as in the submission from Illumina Laboratory Services, Illumina above.

Illumina Laboratory Services, Illumina
Classification: Benign for Paroxysmal extreme pain disorder. Last evaluated: 2017-04-27. Review status: criteria provided, single submitter. Criteria: ICSL Variant Classification Criteria 13 December 2019. Collection method: clinical testing. Allele origin: germline.
Comment: the same text as in the submission from Illumina Laboratory Services, Illumina above.

Center for Pediatric Genomic Medicine, Children's Mercy Hospital and Clinics
Classification: Likely benign. Last evaluated: 2016-09-14. Review status: criteria provided, single submitter. Criteria: ACMG Guidelines, 2015. Collection method: clinical testing. Allele origin: germline.
ClinVar note: Converted during submission from Likely Benign to Likely benign.

PreventionGenetics, part of Exact Sciences
Classification: Likely benign for SCN9A-related condition. Last evaluated: 2019-03-21. Review status: no assertion criteria provided. Collection method: clinical testing. Allele origin: germline. Not counted in ClinVar's aggregate classification.
Comment: This variant is classified as likely benign based on ACMG/AMP sequence variant interpretation guidelines (Richards et al. 2015 PMID: 25741868, with internal and published modifications).